The following is an entry in ClinVar:

NM_005921.2(MAP3K1):c.3591G>A (p.Ala1197=)

Genes: MAP3K1 (mitogen-activated protein kinase kinase kinase 1; plus strand), LOC126807392 (CDK7 strongly-dependent group 2 enhancer GRCh37_chr5:56178189-56179388; plus strand). Cytogenetic location: 5q11.2.
Variant type: single nucleotide variant.
Coding change: c.3591G>A on transcript NM_005921.2 (MANE Select); coding-DNA position 3591, G replaced by A.
Protein change: p.Ala1197=; no amino-acid change (alanine 1197 retained).
Molecular consequence: synonymous variant.
Genome position (GRCh38, 1-based): chr5:56,882,791, G>A. VCF-style: chr5-56882791-G-A. GRCh37 (hg19) VCF-style: chr5-56178618-G-A.
Identifiers: ClinVar variation 3039299 (VCV003039299.2), dbSNP rs200730006, ClinGen allele CA3273192.

ClinVar aggregate classification (germline): Likely benign (0 of 4 stars; one submission).

Conditions:
MAP3K1-related disorder. Also called: MAP3K1-related condition.

Allele frequency attached by ClinVar (database versions not stated): gnomAD 0.00003; TOPMed 0.00003; gnomAD exomes 0.00004; ExAC 0.00007; ESP Exome Variant Server 0.00008.

Submission:

PreventionGenetics, part of Exact Sciences
Classification: Likely benign for MAP3K1-related condition. Last evaluated: 2019-05-27. Review status: no assertion criteria provided. Collection method: clinical testing. Allele origin: germline.
Comment: This variant is classified as likely benign based on ACMG/AMP sequence variant interpretation guidelines (Richards et al. 2015 PMID: 25741868, with internal and published modifications).